The following is an entry in ClinVar:

ClinVar aggregate classification (germline): Likely pathogenic (1 of 4 stars; one submission).

Submission:

Labcorp Genetics (formerly Invitae), Labcorp
Classification: Likely pathogenic. Last evaluated: 2024-07-08. Review status: criteria provided, single submitter. Criteria: Invitae Variant Classification Sherloc (09022015). Collection method: clinical testing. Allele origin: germline.
Comment: This sequence change affects a donor splice site in intron 28 of the ABCC2 gene. It is expected to disrupt RNA splicing. Variants that disrupt the donor or acceptor splice site typically lead to a loss of protein function (PMID: 16199547), and loss-of-function variants in ABCC2 are known to be pathogenic (PMID: 9185779, 16549534, 16952291). This variant is not present in population databases (gnomAD no frequency). This variant has not been reported in the literature in individuals affected with ABCC2-related conditions. Algorithms developed to predict the effect of sequence changes on RNA splicing suggest that this variant may disrupt the consensus splice site. In summary, the currently available evidence indicates that the variant is pathogenic, but additional data are needed to prove that conclusively. Therefore, this variant has been classified as Likely Pathogenic.

Literature cited by the submitters: PubMed 16199547; PubMed 9185779; PubMed 16549534; PubMed 16952291.

NM_000392.5(ABCC2):c.3987+1G>C

Gene: ABCC2 (ATP binding cassette subfamily C member 2; plus strand). Cytogenetic location: 10q24.2.
Variant type: single nucleotide variant.
Coding change: c.3987+1G>C on transcript NM_000392.5 (MANE Select); the canonical splice donor site of the intron after coding-DNA position 3987, G replaced by C.
Molecular consequence: splice donor variant.
Genome position (GRCh38, 1-based): chr10:99,844,466, G>C. VCF-style: chr10-99844466-G-C. GRCh37 (hg19) VCF-style: chr10-101604223-G-C.
Identifiers: ClinVar variation 3010578 (VCV003010578.3), dbSNP rs2493048479, ClinGen allele CA378127665.
Genomic context (GRCh38, chr10:99,844,466, plus strand): 5'-CGACCTGAGCTGGATCTGGTCCTCAGAGGGATCACTTGTGACATCGGTAGCATGGAGAAG[G>C]TAGGTGGAGTGAAGGAAGGCCTGGATGGGAGGCCTTGTGATCAAACAACAATTGGACAGA-3'